The following is an entry in ClinVar:

NM_000051.4(ATM):c.2638+1G>T

Gene: ATM (ATM serine/threonine kinase; plus strand). Cytogenetic location: 11q22.3.
Variant type: single nucleotide variant.
Coding change: c.2638+1G>T on transcript NM_000051.4 (MANE Select); the canonical splice donor site of the intron after coding-DNA position 2638, G replaced by T.
Molecular consequence: splice donor variant.
Genome position (GRCh38, 1-based): chr11:108,267,343, G>T. VCF-style: chr11-108267343-G-T. GRCh37 (hg19) VCF-style: chr11-108138070-G-T.
Other names: c.2638+1G>T (NM_000051.3, NM_001351834.2).
Identifiers: ClinVar variation 1066028 (VCV001066028.30), dbSNP rs2135509713, ClinGen allele CA382544377.
Genomic context (GRCh38, chr11:108,267,343, plus strand): 5'-ATTACCCTGATAGTAGTGTTAGTGATGCAAACGAACCTGGAGAGAGCCAAAGTACCATAG[G>T]TAAATACATATTTACTACTTGGGATTTCTTTTACTTCTTTATATTGATTTGGCAGTATAA-3'

ClinVar aggregate classification (germline): Pathogenic/Likely pathogenic. Review status: criteria provided, multiple submitters, no conflicts (2 of 4 stars). 6 submissions from 6 submitters: Pathogenic (1); Likely pathogenic (3). 2 of the submissions do not count toward it. Last evaluated 2024-03-07.

Conditions:
Ataxia-telangiectasia syndrome (AT). Also called: LOUIS-BAR SYNDROME; Cerebello-oculocutaneous telangiectasia; Immunodeficiency with ataxia telangiectasia; Ataxia telangiectasia (A-T); Ataxia-telangiectasia, complementation group D; AT, COMPLEMENTATION GROUP C. Identifiers: Orphanet 100, MedGen C0004135, MONDO:0008840, OMIM 208900.
Gastric cancer. Also called: Malignant tumor of stomach; Stomach cancer. Identifiers: MedGen C0024623, MeSH D013274, MONDO:0001056, OMIM 613659, HP:0012126.
Hereditary cancer-predisposing syndrome. Also called: Tumor predisposition; Neoplastic Syndromes, Hereditary; Hereditary neoplastic syndrome; Hereditary Cancer Syndrome. Identifiers: Orphanet 140162, MedGen C0027672, MeSH D009386, MONDO:0015356.
Familial cancer of breast. Also called: hereditary breast carcinoma; BREAST CANCER, FAMILIAL; Hereditary breast cancer. Identifiers: Orphanet 227535, MedGen C0346153, MONDO:0016419, OMIM 114480. Disease mechanism: loss of function.

Submissions (6):

Baylor Genetics
Classification: Likely pathogenic for Familial cancer of breast. Last evaluated: 2024-03-07. Review status: criteria provided, single submitter. Criteria: ACMG Guidelines, 2015. Collection method: clinical testing. Allele origin: unknown.

Myriad Genetics, Inc.
Classification: Likely pathogenic for Familial cancer of breast. Last evaluated: 2024-01-18. Review status: criteria provided, single submitter. Criteria: Myriad Autosomal Dominant, Autosomal Recessive and X-Linked Classification Criteria (2023). Collection method: clinical testing. Allele origin: unknown.
Comment: This variant is considered likely pathogenic. This variant occurs within a consensus splice junction and is predicted to result in abnormal mRNA splicing of either an out-of-frame exon or an in-frame exon necessary for protein stability and/or normal function.

Labcorp Genetics (formerly Invitae), Labcorp
Classification: Pathogenic for Ataxia-telangiectasia syndrome. Last evaluated: 2022-10-28. Review status: criteria provided, single submitter. Criteria: Invitae Variant Classification Sherloc (09022015). Collection method: clinical testing. Allele origin: germline.
Comment: For these reasons, this variant has been classified as Pathogenic. Studies have shown that disruption of this splice site results in skipping of exon 17 and introduces a premature termination codon (PMID: 31843900). The resulting mRNA is expected to undergo nonsense-mediated decay. ClinVar contains an entry for this variant (Variation ID: 1066028). Disruption of this splice site has been observed in individual(s) with ataxia-telangiectasia (A-T) (PMID: 25122203). It has also been observed to segregate with disease in related individuals. This variant is not present in population databases (gnomAD no frequency). This sequence change affects a donor splice site in intron 17 of the ATM gene. RNA analysis indicates that disruption of this splice site induces altered splicing and may result in an absent or disrupted protein product.

Ambry Genetics
Classification: Likely pathogenic for Hereditary cancer-predisposing syndrome. Last evaluated: 2022-01-18. Review status: criteria provided, single submitter. Criteria: Ambry Variant Classification Scheme 2023. Collection method: clinical testing. Allele origin: germline.
Comment: The c.2638+1G>T intronic variant results from a G to T substitution one nucleotide after coding exon 16 of the ATM gene. This nucleotide position is highly conserved in available vertebrate species. This alteration was not observed in 7,051 unselected female breast cancer patients and was observed with an allele frequency of 0.00009 in 11,241 female controls of Japanese ancestry. In addition, it was not observed in 53 unselected male breast cancer patients or 12,490 male controls of Japanese ancestry (Momozawa Y et al. Nat Commun, 2018 10;9:4083). This variant is considered to be rare based on population cohorts in the Genome Aggregation Database (gnomAD). In silico splice site analysis predicts that this alteration will weaken the native splice donor site. Alterations that disrupt the canonical splice site are expected to cause aberrant splicing, resulting in an abnormal protein or a transcript that is subject to nonsense-mediated mRNA decay. As such, this alteration is classified as likely pathogenic.

Natera, Inc.
Classification: Likely pathogenic for Ataxia-telangiectasia. Last evaluated: 2021-09-13. Review status: no assertion criteria provided. Collection method: clinical testing. Allele origin: germline. Not counted in ClinVar's aggregate classification.

Laboratory for Genotyping Development, RIKEN
Classification: Pathogenic for Gastric cancer. Last evaluated: 2021-07-01. Review status: no assertion criteria provided. Collection method: research. Allele origin: germline. Not counted in ClinVar's aggregate classification.

Literature cited by the submitters: PubMed 31843900 (cited by Labcorp Genetics (formerly Invitae), Labcorp); PubMed 25122203 (cited by Labcorp Genetics (formerly Invitae), Labcorp); PubMed 30287823 (cited by Ambry Genetics); PubMed 36988593 (cited by Laboratory for Genotyping Development, RIKEN).